The following is an entry in ClinVar:

NM_144687.4(NLRP12):c.986G>A (p.Arg329Gln)

Gene: NLRP12 (NLR family pyrin domain containing 12; minus strand). Cytogenetic location: 19q13.42.
Variant type: single nucleotide variant.
Coding change: c.986G>A on transcript NM_144687.4 (MANE Select); coding-DNA position 986, G replaced by A.
Protein change: p.Arg329Gln; replaces arginine 329 with glutamine.
Molecular consequence: missense variant.
Genome position (GRCh38, 1-based): chr19:53,810,673, C>T on the plus strand (G>A on the coding strand, the complement: NLRP12 is on the minus strand). VCF-style: chr19-53810673-C-T. GRCh37 (hg19) VCF-style: chr19-54313927-C-T.
Other names: c.986G>A (NM_144687.2); c.986G>A, p.Arg329Gln (NM_001277126.2, NM_001277129.1); short protein forms R329Q.
Identifiers: ClinVar variation 330033 (VCV000330033.55), dbSNP rs144287432, ClinGen allele CA9639550.

ClinVar aggregate classification (germline): Conflicting classifications of pathogenicity. Review status: criteria provided, conflicting classifications (1 of 4 stars). 6 submissions from 6 submitters: Uncertain significance (3); Likely benign (3). Last evaluated 2025-07-01.

Conditions:
Familial cold autoinflammatory syndrome 2 (FCAS2). Identifiers: Orphanet 247868, MedGen C2673198, MONDO:0012724, OMIM 611762.
Autoinflammatory syndrome. Identifiers: Orphanet 93665, MedGen C3890737, MONDO:0019751.
Inborn genetic diseases. Identifiers: MedGen C0950123, MeSH D030342.

Allele frequency attached by ClinVar (database versions not stated): ESP Exome Variant Server 0.00008; gnomAD 0.00010 and 0.00013; TOPMed 0.00011; ExAC 0.00012; gnomAD exomes 0.00012 and 0.00016; 1000 Genomes Project 30x 0.00016; 1000 Genomes Project 0.00020.
gnomAD v4.1: 247 of 1,613,844 alleles (0.015%); highest among the groups gnomAD compares: Middle Eastern, 0.082%; no homozygotes.

Submissions (6):

Ambry Genetics
Classification: Uncertain significance for Inborn genetic diseases. Last evaluated: 2025-07-01. Review status: criteria provided, single submitter. Criteria: Ambry Variant Classification Scheme 2023. Collection method: clinical testing. Allele origin: germline.

Labcorp Genetics (formerly Invitae), Labcorp
Classification: Uncertain significance for Familial cold autoinflammatory syndrome 2. Last evaluated: 2025-06-27. Review status: criteria provided, single submitter. Criteria: Invitae Variant Classification Sherloc (09022015). Collection method: clinical testing. Allele origin: germline.
Comment: This sequence change replaces arginine, which is basic and polar, with glutamine, which is neutral and polar, at codon 329 of the NLRP12 protein (p.Arg329Gln). This variant is present in population databases (rs144287432, gnomAD 0.02%). This variant has not been reported in the literature in individuals affected with NLRP12-related conditions. ClinVar contains an entry for this variant (Variation ID: 330033). Invitae Evidence Modeling of protein sequence and biophysical properties (such as structural, functional, and spatial information, amino acid conservation, physicochemical variation, residue mobility, and thermodynamic stability) indicates that this missense variant is not expected to disrupt NLRP12 protein function with a negative predictive value of 80%. In summary, the available evidence is currently insufficient to determine the role of this variant in disease. Therefore, it has been classified as a Variant of Uncertain Significance.

CeGaT Center for Human Genetics Tuebingen
Classification: Likely benign. Last evaluated: 2025-01-01. Review status: criteria provided, single submitter. Criteria: CeGaT Center For Human Genetics Tuebingen Variant Classification Criteria Version 2. Collection method: clinical testing. Allele origin: germline. Affected: yes. Observed: 3 variant alleles.
Comment: NLRP12: BP4

Blueprint Genetics
Classification: Likely benign. Last evaluated: 2024-09-25. Review status: criteria provided, single submitter. Criteria: ACMG Guidelines, 2015. Collection method: clinical testing. Allele origin: germline.

Genome Diagnostics Laboratory, The Hospital for Sick Children
Classification: Uncertain significance for Autoinflammatory syndrome. Last evaluated: 2022-04-29. Review status: criteria provided, single submitter. Criteria: ACMG Guidelines, 2015. Collection method: clinical testing. Allele origin: germline. Affected: yes.

Illumina Laboratory Services, Illumina
Classification: Likely benign for Familial cold autoinflammatory syndrome 2. Last evaluated: 2018-01-13. Review status: criteria provided, single submitter. Criteria: ICSL Variant Classification Criteria 13 December 2019. Collection method: clinical testing. Allele origin: germline.
Comment: This variant was observed in the ICSL laboratory as part of a predisposition screen in an ostensibly healthy population. It had not been previously curated by ICSL or reported in the Human Gene Mutation Database (HGMD: prior to June 1st, 2018), and was therefore a candidate for classification through an automated scoring system. Utilizing variant allele frequency, disease prevalence and penetrance estimates, and inheritance mode, an automated score was calculated to assess if this variant is too frequent to cause the disease. Based on the score and internal cut-off values, a variant classified as likely benign is not then subjected to further curation. The score for this variant resulted in a classification of likely benign for this disease.